The following is an entry in ClinVar:

ClinVar aggregate classification (germline): Uncertain significance (1 of 4 stars; one submission).

Conditions:
Niemann-Pick disease, type C1. Also called: NEUROVISCERAL STORAGE DISEASE WITH VERTICAL SUPRANUCLEAR OPHTHALMOPLEGIA; NIEMANN-PICK DISEASE WITH CHOLESTEROL ESTERIFICATION BLOCK; NIEMANN-PICK DISEASE WITHOUT SPHINGOMYELINASE DEFICIENCY; NIEMANN-PICK DISEASE, CHRONIC NEURONOPATHIC FORM; NIEMANN-PICK DISEASE, VARIANT TYPE C1. Identifiers: Orphanet 646, MedGen C3179455, MONDO:0009757, OMIM 257220.

Allele frequency attached by ClinVar (database versions not stated): ExAC 0.00001.
gnomAD v4.1: 3 of 1,614,092 alleles (0.00019%); highest among the groups gnomAD compares: Non-Finnish European, 0.00025%; no homozygotes.

Submission:

Labcorp Genetics (formerly Invitae), Labcorp
Classification: Uncertain significance for Niemann-Pick disease, type C1. Last evaluated: 2022-06-27. Review status: criteria provided, single submitter. Criteria: Invitae Variant Classification Sherloc (09022015). Collection method: clinical testing. Allele origin: germline.
Comment: This sequence change replaces asparagine, which is neutral and polar, with aspartic acid, which is acidic and polar, at codon 376 of the NPC1 protein (p.Asn376Asp). This variant is present in population databases (rs781687232, gnomAD 0.0009%). This variant has not been reported in the literature in individuals affected with NPC1-related conditions. Advanced modeling of protein sequence and biophysical properties (such as structural, functional, and spatial information, amino acid conservation, physicochemical variation, residue mobility, and thermodynamic stability) performed at Invitae indicates that this missense variant is not expected to disrupt NPC1 protein function. In summary, the available evidence is currently insufficient to determine the role of this variant in disease. Therefore, it has been classified as a Variant of Uncertain Significance.

NM_000271.5(NPC1):c.1126A>G (p.Asn376Asp)

Gene: NPC1 (NPC intracellular cholesterol transporter 1; minus strand). Cytogenetic location: 18q11.2.
Variant type: single nucleotide variant.
Coding change: c.1126A>G on transcript NM_000271.5 (MANE Select); coding-DNA position 1126, A replaced by G.
Protein change: p.Asn376Asp; replaces asparagine 376 with aspartic acid.
Molecular consequence: missense variant.
Genome position (GRCh38, 1-based): chr18:23,556,443, T>C on the plus strand (A>G on the coding strand, the complement: NPC1 is on the minus strand). VCF-style: chr18-23556443-T-C. GRCh37 (hg19) VCF-style: chr18-21136407-T-C.
Other names: short protein forms N376D.
Identifiers: ClinVar variation 1982504 (VCV001982504.1), dbSNP rs781687232, ClinGen allele CA8913530.
Genomic context (GRCh38, chr18:23,556,443, plus strand): 5'-CAAAGTACTCTTTTTCCAGGCGAGCCTGGCTGCTGGGGGCTGACCAGAGGTCAACTGGAT[T>C]GGTTGTGACCCGGACAAACACCAGGCCTGACGAACACGCAGTAATGAAGACCAGCGAGAA-3'
Protein context (NP_000262.2, residues 366-386): SGLVFVRVTT[Asn376Asp]PVDLWSAPSS